The following is an entry in ClinVar:

NM_014283.5(SUCO):c.981+2T>C

Gene: SUCO (SUN domain containing ossification factor; plus strand). Cytogenetic location: 1q24.3.
Variant type: single nucleotide variant.
Coding change: c.981+2T>C on transcript NM_014283.5 (MANE Select); the canonical splice donor site of the intron after coding-DNA position 981, T replaced by C.
Molecular consequence: splice donor variant.
Genome position (GRCh38, 1-based): chr1:172,570,173, T>C. VCF-style: chr1-172570173-T-C. GRCh37 (hg19) VCF-style: chr1-172539313-T-C.
Other names: NC_000001.10:g.172539313T>C; c.1455+2T>C (NM_016227.4); c.-549+2T>C (NM_001282751.2); c.870+2T>C (NM_001282750.2).
Identifiers: ClinVar variation 4324131 (VCV004324131.2).
Genomic context (GRCh38, chr1:172,570,173, plus strand): 5'-ATAATTATGCCTCAGTAGAATGTGGTGCCAAAATTCTAGCAGCTAATCCAGAAGCCAAGG[T>C]AGGTGTTTAAATATAAAATTTTGTATATATAGGAAATTAACGACTTTTTAAAATACAGGT-3'

ClinVar aggregate classification (germline): Uncertain significance (1 of 4 stars; one submission).

gnomAD v4.1: 26 of 1,559,946 alleles (0.0017%); highest among the groups gnomAD compares: African/African-American, 0.0028%; no homozygotes.

Submissions (2):

Labcorp Genetics (formerly Invitae), Labcorp
Classification: Uncertain significance. Last evaluated: 2025-07-20. Review status: criteria provided, single submitter. Criteria: Invitae Variant Classification Sherloc (09022015). Collection method: clinical testing. Allele origin: germline.
Comment: This sequence change affects a donor splice site in intron 8 of the SUCO gene. It is expected to disrupt RNA splicing. Variants that disrupt the donor or acceptor splice site typically lead to a loss of protein function (PMID: 16199547), however the current clinical and genetic evidence is not sufficient to establish whether loss-of-function variants in SUCO cause disease. The frequency data for this variant in the population databases is considered unreliable, as metrics indicate poor data quality at this position in the gnomAD database. This variant has not been reported in the literature in individuals affected with SUCO-related conditions. Algorithms developed to predict the effect of sequence changes on RNA splicing suggest that this variant may disrupt the consensus splice site. In summary, the available evidence is currently insufficient to determine the role of this variant in disease. Therefore, it has been classified as a Variant of Uncertain Significance.

Dr. Peter K. Rogan Lab, Western University
No classification provided (evidence only). Condition: Cervical cancer. Review status: no classification provided. Collection method: in vitro. Allele origin: not applicable. Functional consequence: retained intron. Not counted in ClinVar's aggregate classification.

Literature cited by the submitters: PubMed 16199547 (cited by Labcorp Genetics (formerly Invitae), Labcorp).